The following is an entry in ClinVar:

NM_017636.4(TRPM4):c.2561A>G (p.Gln854Arg)

Gene: TRPM4 (transient receptor potential cation channel subfamily M member 4; plus strand). Cytogenetic location: 19q13.33.
Variant type: single nucleotide variant.
Coding change: c.2561A>G on transcript NM_017636.4 (MANE Select); coding-DNA position 2561, A replaced by G.
Protein change: p.Gln854Arg; replaces glutamine 854 with arginine.
Molecular consequence: missense variant. On other transcripts: intron variant (1).
Genome position (GRCh38, 1-based): chr19:49,196,790, A>G. VCF-style: chr19-49196790-A-G. GRCh37 (hg19) VCF-style: chr19-49700047-A-G.
Other names: c.2216A>G, p.Gln739Arg (NM_001321281.2); c.953A>G, p.Gln318Arg (NM_001321282.2); c.2039A>G, p.Gln680Arg (NM_001321283.2); c.1499A>G, p.Gln500Arg (NM_001321285.2); c.2211-3510A>G (NM_001195227.2); short protein forms Q854R, Q680R, Q739R, Q500R, Q318R.
Identifiers: ClinVar variation 381691 (VCV000381691.27), dbSNP rs172155862, ClinGen allele CA9569575.

ClinVar aggregate classification (germline): Conflicting classifications of pathogenicity. Review status: criteria provided, conflicting classifications (1 of 4 stars). 8 submissions from 8 submitters: Uncertain significance (1); Likely benign (6). 1 of the submissions does not count toward it. Last evaluated 2026-01-28.

Conditions:
Long QT syndrome (LQTS). Identifiers: MedGen C0023976, MeSH D008133, MONDO:0002442. Disease mechanism: loss of function. Inheritance: Various modes of inheritance.
TRPM4-related disorder. Also called: TRPM4-related disorders; TRPM4-related condition. Identifiers: MedGen CN239424.
Cardiovascular phenotype. Identifiers: MedGen CN230736.
Progressive familial heart block type IB (PFHB1B). Identifiers: Orphanet 871, MedGen C1970298, MONDO:0011474, OMIM 604559.

Allele frequency attached by ClinVar (database versions not stated): 1000 Genomes Project 30x 0.00031; gnomAD exomes 0.00106 and 0.00081; ExAC 0.00179; 1000 Genomes Project 0.00040; gnomAD 0.00076 and 0.00078; ESP Exome Variant Server 0.00085; TOPMed 0.00087.
gnomAD v4.1: 1,610 of 1,577,780 alleles (0.1%); highest among the groups gnomAD compares: Middle Eastern, 0.12%; 5 homozygotes.

Submissions (8):

Labcorp Genetics (formerly Invitae), Labcorp
Classification: Likely benign for Progressive familial heart block type IB. Last evaluated: 2026-01-28. Review status: criteria provided, single submitter. Criteria: Invitae Variant Classification Sherloc (09022015). Collection method: clinical testing. Allele origin: germline.

Blueprint Genetics
Classification: Likely benign. Last evaluated: 2024-11-26. Review status: criteria provided, single submitter. Criteria: ACMG Guidelines, 2015. Collection method: clinical testing. Allele origin: germline.

Dept of Medical Biology, Uskudar University
Classification: Likely benign for Long QT syndrome. Last evaluated: 2024-01-08. Review status: criteria provided, single submitter. Criteria: Dept of Medical Biology Variant Classification. Collection method: research. Allele origin: maternal. Affected: yes. Observed: 1 variant allele.
Comment: Criteria: BS1, BP4

Women's Health and Genetics/Laboratory Corporation of America, LabCorp
Classification: Likely benign. Last evaluated: 2023-12-03. Review status: criteria provided, single submitter. Criteria: LabCorp Variant Classification Summary - May 2015. Collection method: clinical testing. Allele origin: germline.

GeneDx
Classification: Likely benign. Last evaluated: 2020-08-26. Review status: criteria provided, single submitter. Criteria: GeneDx Variant Classification Process June 2021. Collection method: clinical testing. Allele origin: germline. Affected: yes.
Comment: This variant is associated with the following publications: (PMID: 27711072, 23382873, 21887725, 24721656, 26820365, 29568272, 30821013, 30142439)

Ambry Genetics
Classification: Likely benign for Cardiovascular phenotype. Last evaluated: 2018-12-21. Review status: criteria provided, single submitter. Criteria: Ambry Variant Classification Scheme 2023. Collection method: clinical testing. Allele origin: germline.

Illumina Laboratory Services, Illumina
Classification: Uncertain significance for Progressive familial heart block type IB. Last evaluated: 2017-07-31. Review status: criteria provided, single submitter. Criteria: ICSL Variant Classification Criteria 13 December 2019. Collection method: clinical testing. Allele origin: germline.
Comment: This variant was observed as part of a predisposition screen in an ostensibly healthy population. A literature search was performed for the gene, cDNA change, and amino acid change (where applicable). Publications were found based on this search. However, the evidence from the literature, in combination with allele frequency data from public databases where available, was not sufficient to rule this variant in or out of causing disease. Therefore, this variant is classified as a variant of unknown significance.

PreventionGenetics, part of Exact Sciences
Classification: Likely benign for TRPM4-related condition. Last evaluated: 2022-02-04. Review status: no assertion criteria provided. Collection method: clinical testing. Allele origin: germline. Not counted in ClinVar's aggregate classification.
Comment: This variant is classified as likely benign based on ACMG/AMP sequence variant interpretation guidelines (Richards et al. 2015 PMID: 25741868, with internal and published modifications).

Literature cited by the submitters: PubMed 21887725 (cited by Ambry Genetics and Illumina Laboratory Services, Illumina); PubMed 23382873 (cited by Ambry Genetics and Illumina Laboratory Services, Illumina); PubMed 26350513 (cited by Ambry Genetics); PubMed 27711072 (cited by Ambry Genetics); PubMed 26820365 (cited by Illumina Laboratory Services, Illumina); PubMed 25416190 (cited by Illumina Laboratory Services, Illumina); PubMed 26272755 (cited by Illumina Laboratory Services, Illumina).